The following is an entry in ClinVar:

NM_000540.3(RYR1):c.9713A>G (p.Glu3238Gly)

Gene: RYR1 (ryanodine receptor 1; plus strand). Cytogenetic location: 19q13.2.
Variant type: single nucleotide variant.
Coding change: c.9713A>G on transcript NM_000540.3 (MANE Select); coding-DNA position 9713, A replaced by G.
Protein change: p.Glu3238Gly; replaces glutamic acid 3238 with glycine.
Molecular consequence: missense variant.
Genome position (GRCh38, 1-based): chr19:38,517,386, A>G. VCF-style: chr19-38517386-A-G. GRCh37 (hg19) VCF-style: chr19-39008026-A-G.
Other names: p.E3238G:GAG>GGG; c.9713A>G, p.Glu3238Gly (NM_001042723.2); short protein forms E3238G.
Identifiers: ClinVar variation 161365 (VCV000161365.36), dbSNP rs200950673, ClinGen allele CA024999.
Genomic context (GRCh38, chr19:38,517,386, plus strand): 5'-TTGACATTCCCTGCCCCCGTCCCTGTACCCCAGTCCTGGGGCTCCCCAACAGTGTGGAGG[A>G]GATGTGTCCCGACATCCCGGTGCTGGAGCGGCTCATGGCAGACATTGGGGGGCTGGCCGA-3'
Protein context (NP_000531.2, residues 3228-3248): AILGLPNSVE[Glu3238Gly]MCPDIPVLER

ClinVar aggregate classification (germline): Conflicting classifications of pathogenicity. Review status: criteria provided, conflicting classifications (1 of 4 stars). 11 submissions from 11 submitters: Uncertain significance (6); Benign (1); Likely benign (3). 1 of the submissions does not count toward it. Last evaluated 2026-08-06.

Conditions:
RYR1-related disorder. Also called: RYR1-related disorders; RYR1-related condition. Identifiers: MedGen CN239331.
Acute rhabdomyolysis. Identifiers: MedGen C3807306, HP:0008942.
Axial myopathy, late-onset.
Malignant hyperthermia, susceptibility to, 1 (MHS1). Also called: Anesthesia related hyperthermia; Malignant hyperpyrexia; Fulminating hyperpyrexia; Pharmacogenic myopathy; RYR1-Related Malignant Hyperthermia Susceptibility; Malignant hyperthermia suceptibility 1. Identifiers: Orphanet 423, MedGen C2930980, MONDO:0007783, OMIM 145600.

Allele frequency attached by ClinVar (database versions not stated): ESP Exome Variant Server 0.00015; 1000 Genomes Project 30x 0.00016; gnomAD 0.00016 and 0.00020; TOPMed 0.00016; 1000 Genomes Project 0.00020; gnomAD exomes 0.00026 and 0.00033; ExAC 0.00033.
gnomAD v4.1: 518 of 1,613,676 alleles (0.032%); highest among the groups gnomAD compares: South Asian, 0.11%; no homozygotes.

Submissions (11):

NHS Central & South Genomic Laboratory Hub
Classification: Uncertain significance for Acute Rhabdomyolysis. Last evaluated: 2026-08-06. Review status: criteria provided, single submitter. Criteria: ACMG Guidelines, 2015. Collection method: clinical testing. Allele origin: germline. Affected: yes.

Labcorp Genetics (formerly Invitae), Labcorp
Classification: Likely benign for RYR1-related disorder. Last evaluated: 2026-01-19. Review status: criteria provided, single submitter. Criteria: Invitae Variant Classification Sherloc (09022015). Collection method: clinical testing. Allele origin: germline.

Blueprint Genetics
Classification: Uncertain significance. Last evaluated: 2024-08-28. Review status: criteria provided, single submitter. Criteria: ACMG Guidelines, 2015. Collection method: clinical testing. Allele origin: germline.

Women's Health and Genetics/Laboratory Corporation of America, LabCorp
Classification: Likely benign. Last evaluated: 2024-03-29. Review status: criteria provided, single submitter. Criteria: LabCorp Variant Classification Summary - May 2015. Collection method: clinical testing. Allele origin: germline.

Color Diagnostics, LLC DBA Color Health
Classification: Likely benign for Malignant hyperthermia, susceptibility to, 1. Last evaluated: 2023-01-05. Review status: criteria provided, single submitter. Criteria: ACMG Guidelines, 2015. Collection method: clinical testing. Allele origin: germline.

Revvity Omics, Revvity
Classification: Uncertain significance. Last evaluated: 2022-08-04. Review status: criteria provided, single submitter. Criteria: ACMG Guidelines, 2015. Collection method: clinical testing. Allele origin: germline.

GeneDx
Classification: Uncertain significance. Last evaluated: 2020-11-03. Review status: criteria provided, single submitter. Criteria: GeneDx Variant Classification Process June 2021. Collection method: clinical testing. Allele origin: germline. Affected: yes.
Comment: Reported in an individual with late-onset myopathy in the published literature (Loseth et al., 2013); In silico analysis, which includes protein predictors and evolutionary conservation, supports a deleterious effect; This variant is associated with the following publications: (PMID: 25637381, 23329375, 25747005, 23558838)

Mendelics
Classification: Benign for Malignant hyperthermia, susceptibility to, 1. Last evaluated: 2019-05-28. Review status: criteria provided, single submitter. Criteria: Mendelics Assertion Criteria 2017. Collection method: clinical testing. Allele origin: unknown.

Laboratory for Molecular Medicine, Mass General Brigham Personalized Medicine
Classification: Uncertain significance. Last evaluated: 2017-01-25. Review status: criteria provided, single submitter. Criteria: LMM Criteria. Collection method: clinical testing. Allele origin: germline.
Comment: Variant identified in a genome or exome case(s) and assessed due to predicted null impact of the variant or pathogenic assertions in the literature or databases. Disclaimer: This variant has not undergone full assessment. The following are preliminary notes: This variant has been reported in one patient with axial myopathy and one who is malignant hyperthermia susceptible as determined by the Caffeine contracture test. The variant has a Max MAF of 0.1% in ExAC (19 South Asian alleles) and 0.1% in gnomAD (35 South Asian alleles). Frequency is too high for disease. It is classified with 1 star in ClinVar as VUS by GeneDx and as Likely benign by CSER_CC_NCGL.

Eurofins Ntd Llc (ga)
Classification: Uncertain significance. Last evaluated: 2015-09-21. Review status: criteria provided, single submitter. Criteria: EGL Classification Definitions 2015. Collection method: clinical testing. Allele origin: germline.

CSER _CC_NCGL, University of Washington
Classification: Likely benign for Axial myopathy, late-onset. Last evaluated: 2014-06-01. Review status: no assertion criteria provided. Collection method: research. Allele origin: germline. Inheritance: Autosomal dominant inheritance. Study: ESP 6500 variant annotation. Not counted in ClinVar's aggregate classification.
Comment: Variants classified for the Actionable exomic incidental findings in 6503 participants: challenges of variant classification manuscript